The following is an entry in ClinVar:

NM_006206.6(PDGFRA):c.511T>G (p.Ser171Ala)

Gene: PDGFRA (platelet derived growth factor receptor alpha; plus strand). Cytogenetic location: 4q12.
Variant type: single nucleotide variant.
Coding change: c.511T>G on transcript NM_006206.6 (MANE Select); coding-DNA position 511, T replaced by G.
Protein change: p.Ser171Ala; replaces serine 171 with alanine.
Molecular consequence: missense variant.
Genome position (GRCh38, 1-based): chr4:54,263,810, T>G. VCF-style: chr4-54263810-T-G. GRCh37 (hg19) VCF-style: chr4-55129977-T-G.
Other names: c.511T>G, p.Ser171Ala (NM_001347827.2, NM_001347829.2); c.586T>G, p.Ser196Ala (NM_001347828.2); c.550T>G, p.Ser184Ala (NM_001347830.2); short protein forms S171A, S196A, S184A.
Identifiers: ClinVar variation 3930178 (VCV003930178.1).

ClinVar aggregate classification (germline): Uncertain significance (1 of 4 stars; one submission).

Conditions:
Hereditary cancer-predisposing syndrome. Also called: Tumor predisposition; Hereditary neoplastic syndrome; Hereditary Cancer Syndrome; Neoplastic Syndromes, Hereditary. Identifiers: Orphanet 140162, MedGen C0027672, MeSH D009386, MONDO:0015356.

Submission:

Ambry Genetics
Classification: Uncertain significance for Hereditary cancer-predisposing syndrome. Last evaluated: 2025-05-29. Review status: criteria provided, single submitter. Criteria: Ambry Variant Classification Scheme 2023. Collection method: clinical testing. Allele origin: germline.
Comment: The p.S171A variant (also known as c.511T>G), located in coding exon 3 of the PDGFRA gene, results from a T to G substitution at nucleotide position 511. The serine at codon 171 is replaced by alanine, an amino acid with similar properties. This amino acid position is conserved. In addition, this alteration is predicted to be tolerated by in silico analysis. Based on the available evidence, the clinical significance of this variant remains unclear.